The following is an entry in ClinVar:

ClinVar aggregate classification (germline): Pathogenic (1 of 4 stars; one submission).

Submission:

Labcorp Genetics (formerly Invitae), Labcorp
Classification: Pathogenic. Last evaluated: 2023-01-16. Review status: criteria provided, single submitter. Criteria: Invitae Variant Classification Sherloc (09022015). Collection method: clinical testing. Allele origin: germline.
Comment: For these reasons, this variant has been classified as Pathogenic. This variant has not been reported in the literature in individuals affected with OTOF-related conditions. This variant is not present in population databases (gnomAD no frequency). This sequence change creates a premature translational stop signal (p.Asp1626Alafs*10) in the OTOF gene. It is expected to result in an absent or disrupted protein product. Loss-of-function variants in OTOF are known to be pathogenic (PMID: 18381613, 19250381, 22575033).

Literature cited by the submitters: PubMed 18381613; PubMed 19250381; PubMed 22575033.

NM_194248.3(OTOF):c.4877_4880del (p.Asp1626fs)

Gene: OTOF (otoferlin; minus strand). Cytogenetic location: 2p23.3.
Variant type: Deletion.
Coding change: c.4877_4880del on transcript NM_194248.3 (MANE Select); coding-DNA positions 4877 to 4880, 4 bases deleted (ACGG; older notation c.4877_4880delACGG).
Protein change: p.Asp1626fs; shifts the reading frame from aspartic acid 1626.
Molecular consequence: frameshift variant.
Genome position (GRCh38, 1-based): chr2:26,464,949-26,464,952, CCGT deleted on the plus strand (ACGG on the coding strand, the reverse complement: OTOF is on the minus strand); deleting any 4 consecutive bases within chr2:26,464,949-26,464,954 gives the same sequence; the c. name uses the placement nearest the transcript's 3' end. VCF-style (leftmost placement, unchanged base first): chr2-26464948-GCCGT-G. GRCh37 (hg19) VCF-style: chr2-26687816-GCCGT-G.
Other names: c.2576_2579del, p.Asp859fs (NM_194323.3, NM_004802.4); c.4877_4880del, p.Asp1626fs (NM_001287489.2); c.2807_2810del, p.Asp936fs (NM_194322.3); short protein forms D1626fs, D936fs, D859fs.
Identifiers: ClinVar variation 2827583 (VCV002827583.3), dbSNP rs2465518726, ClinGen allele CA2739274266.